The following is an entry in ClinVar:

ClinVar aggregate classification (germline): Uncertain significance. Review status: criteria provided, multiple submitters, no conflicts (2 of 4 stars). 2 submissions from 2 submitters: Uncertain significance (2). Last evaluated 2024-07-05.

Conditions:
Familial thoracic aortic aneurysm and aortic dissection (TAAD). Also called: Thoracic aortic aneurysms and dissections. Identifiers: Orphanet 91387, MedGen C4707243, MONDO:0019625.

Submissions (2):

Blueprint Genetics
Classification: Uncertain significance. Last evaluated: 2024-07-05. Review status: criteria provided, single submitter. Criteria: ACMG Guidelines, 2015. Collection method: clinical testing. Allele origin: germline.

Labcorp Genetics (formerly Invitae), Labcorp
Classification: Uncertain significance for Familial thoracic aortic aneurysm and aortic dissection. Last evaluated: 2021-12-02. Review status: criteria provided, single submitter. Criteria: Invitae Variant Classification Sherloc (09022015). Collection method: clinical testing. Allele origin: germline.
Comment: This variant has not been reported in the literature in individuals affected with SMAD3-related conditions. In summary, the available evidence is currently insufficient to determine the role of this variant in disease. Therefore, it has been classified as a Variant of Uncertain Significance. Algorithms developed to predict the effect of missense changes on protein structure and function are either unavailable or do not agree on the potential impact of this missense change (SIFT: "Not Available"; PolyPhen-2: "Probably Damaging"; Align-GVGD: "Not Available"). This variant is not present in population databases (gnomAD no frequency). This sequence change replaces phenylalanine, which is neutral and non-polar, with leucine, which is neutral and non-polar, at codon 348 of the SMAD3 protein (p.Phe348Leu).

NM_005902.4(SMAD3):c.1044C>G (p.Phe348Leu)

Gene: SMAD3 (SMAD family member 3; plus strand). Cytogenetic location: 15q22.33.
Variant type: single nucleotide variant.
Coding change: c.1044C>G on transcript NM_005902.4 (MANE Select); coding-DNA position 1044, C replaced by G.
Protein change: p.Phe348Leu; replaces phenylalanine 348 with leucine.
Molecular consequence: missense variant.
Genome position (GRCh38, 1-based): chr15:67,187,399, C>G. VCF-style: chr15-67187399-C-G. GRCh37 (hg19) VCF-style: chr15-67479737-C-G.
Other names: c.729C>G, p.Phe243Leu (NM_001145102.2, NM_001407016.1); c.912C>G, p.Phe304Leu (NM_001145103.2, NM_001407012.1); c.459C>G, p.Phe153Leu (NM_001145104.2, NM_001407017.1); c.1155C>G, p.Phe385Leu (NM_001407011.1); c.906C>G, p.Phe302Leu (NM_001407013.1); c.897C>G, p.Phe299Leu (NM_001407014.1); c.597C>G, p.Phe199Leu (NM_001407015.1); short protein forms F304L, F299L, F348L, F153L, F385L, F199L, F243L, F302L.
Identifiers: ClinVar variation 1966345 (VCV001966345.6), dbSNP rs751780616, ClinGen allele CA392958130.